The following is an entry in ClinVar:

NM_007294.4(BRCA1):c.4709T>C (p.Leu1570Pro)

Gene: BRCA1 (BRCA1 DNA repair associated; minus strand). Cytogenetic location: 17q21.31.
Variant type: single nucleotide variant.
Coding change: c.4709T>C on transcript NM_007294.4 (MANE Select); coding-DNA position 4709, T replaced by C.
Protein change: p.Leu1570Pro; replaces leucine 1570 with proline.
Molecular consequence: missense variant. On other transcripts: non-coding transcript variant (1).
Genome position (GRCh38, 1-based): chr17:43,071,205, A>G on the plus strand (T>C on the coding strand, the complement: BRCA1 is on the minus strand). VCF-style: chr17-43071205-A-G. GRCh37 (hg19) VCF-style: chr17-41223222-A-G.
Other names: c.1136T>C, p.Leu379Pro (NM_001408496.1, NM_001408497.1, NM_001408498.1 and 3 more transcripts); c.1133T>C, p.Leu378Pro (NM_001408502.1, NM_001408503.1, NM_001408504.1); c.1130T>C, p.Leu377Pro (NM_001408505.1); c.1073T>C, p.Leu358Pro (NM_001408506.1); c.1070T>C, p.Leu357Pro (NM_001408507.1); c.1061T>C, p.Leu354Pro (NM_001408508.1); c.1058T>C, p.Leu353Pro (NM_001408509.1); c.1019T>C, p.Leu340Pro (NM_001408510.1); and 70 more; short protein forms L1523P, L1570P, L1591P, L466P, L1459P, L1481P, L1498P, L1522P.
Identifiers: ClinVar variation 1000183 (VCV001000183.14), dbSNP rs2052423979, ClinGen allele CA10592091.
Genomic context (GRCh38, chr17:43,071,205, plus strand): 5'-ACACGAGCTGACTCTGGGGCTCTGTCTTCAGAAGGATCAGATTCAGGGTCATCAGAGAAG[A>G]GGCTGATTCCAGATTCCAGGTAAGGGGTTCCCTCTGAAAGGAATGGGAGAAGTTTAATTT-3'
Protein context (NP_009225.1, residues 1560-1580): GTPYLESGIS[Leu1570Pro]FSDDPESDPS

ClinVar aggregate classification (germline): Uncertain significance (1 of 4 stars; one submission).

Conditions:
Hereditary breast ovarian cancer syndrome. Also called: Hereditary breast and ovarian cancer syndrome; Hereditary breast and/or ovarian cancer syndrome; Hereditary breast and ovarian cancer syndrome (HBOC); Breast and ovarian cancer; BRCA1- and BRCA2-Associated Hereditary Breast and Ovarian Cancer; Hereditary breast and ovarian cancer. Identifiers: Orphanet 145, MedGen C0677776, MeSH D061325, MONDO:0003582. Disease mechanism: loss of function.

Submission:

Labcorp Genetics (formerly Invitae), Labcorp
Classification: Uncertain significance for Hereditary breast ovarian cancer syndrome. Last evaluated: 2022-02-18. Review status: criteria provided, single submitter. Criteria: Invitae Variant Classification Sherloc (09022015). Collection method: clinical testing. Allele origin: germline.
Comment: This sequence change replaces leucine, which is neutral and non-polar, with proline, which is neutral and non-polar, at codon 1570 of the BRCA1 protein (p.Leu1570Pro). This variant is not present in population databases (gnomAD no frequency). This variant has not been reported in the literature in individuals affected with BRCA1-related conditions. ClinVar contains an entry for this variant (Variation ID: 1000183). Algorithms developed to predict the effect of missense changes on protein structure and function are either unavailable or do not agree on the potential impact of this missense change (SIFT: "Tolerated"; PolyPhen-2: "Probably Damaging"; Align-GVGD: "Class C0"). In summary, the available evidence is currently insufficient to determine the role of this variant in disease. Therefore, it has been classified as a Variant of Uncertain Significance.